The following is an entry in ClinVar:

ClinVar aggregate classification (germline): Pathogenic (1 of 4 stars; one submission).

Conditions:
Adenylosuccinate lyase deficiency (ADSLD). Also called: ADSL DEFICIENCY. Identifiers: Orphanet 46, MedGen C0268126, MONDO:0007068, OMIM 103050.

Allele frequency attached by ClinVar (database versions not stated): gnomAD exomes below 0.00001.
gnomAD v4.1: 1 of 1,603,610 alleles (0.000062%); no homozygotes.

Submission:

Labcorp Genetics (formerly Invitae), Labcorp
Classification: Pathogenic for Adenylosuccinate lyase deficiency. Last evaluated: 2024-05-15. Review status: criteria provided, single submitter. Criteria: Invitae Variant Classification Sherloc (09022015). Collection method: clinical testing. Allele origin: germline.
Comment: This sequence change creates a premature translational stop signal (p.Gln51*) in the ADSL gene. It is expected to result in an absent or disrupted protein product. Loss-of-function variants in ADSL are known to be pathogenic (PMID: 10888601, 20177786). This variant is not present in population databases (gnomAD no frequency). This variant has not been reported in the literature in individuals affected with ADSL-related conditions. ClinVar contains an entry for this variant (Variation ID: 1458015). Algorithms developed to predict the effect of sequence changes on RNA splicing suggest that this variant may disrupt the consensus splice site. For these reasons, this variant has been classified as Pathogenic.

Literature cited by the submitters: PubMed 10888601; PubMed 20177786.

NM_000026.4(ADSL):c.151C>T (p.Gln51Ter)

Gene: ADSL (adenylosuccinate lyase; plus strand). Cytogenetic location: 22q13.1.
Variant type: single nucleotide variant.
Coding change: c.151C>T on transcript NM_000026.4 (MANE Select); coding-DNA position 151, C replaced by T.
Protein change: p.Gln51Ter; replaces glutamine 51 with a stop codon.
Molecular consequence: nonsense. On other transcripts: non-coding transcript variant (1), intron variant (1).
Genome position (GRCh38, 1-based): chr22:40,346,709, C>T. VCF-style: chr22-40346709-C-T. GRCh37 (hg19) VCF-style: chr22-40742713-C-T.
Other names: c.151C>T, p.Gln51Ter (NM_001123378.3, NM_001363840.3); c.-40+53C>T (NM_001317923.2); short protein forms Q51*.
Identifiers: ClinVar variation 1458015 (VCV001458015.6), dbSNP rs1193437955, ClinGen allele CA411632926.